The following is an entry in ClinVar:

NM_012213.3(MLYCD):c.1047T>G (p.His349Gln)

Gene: MLYCD (malonyl-CoA decarboxylase; plus strand). Cytogenetic location: 16q23.3.
Variant type: single nucleotide variant.
Coding change: c.1047T>G on transcript NM_012213.3 (MANE Select); coding-DNA position 1047, T replaced by G.
Protein change: p.His349Gln; replaces histidine 349 with glutamine.
Molecular consequence: missense variant.
Genome position (GRCh38, 1-based): chr16:83,915,054, T>G. VCF-style: chr16-83915054-T-G. GRCh37 (hg19) VCF-style: chr16-83948659-T-G.
Other names: short protein forms H349Q.
Identifiers: ClinVar variation 2880001 (VCV002880001.3), dbSNP rs2151059986, ClinGen allele CA396919926.

ClinVar aggregate classification (germline): Uncertain significance (1 of 4 stars; one submission).

Conditions:
Deficiency of malonyl-CoA decarboxylase. Also called: Malonic aciduria; MCD deficiency. Identifiers: Orphanet 943, MedGen C0342793, MONDO:0009556, OMIM 248360.

gnomAD v4.1: 4 of 1,614,164 alleles (0.00025%); highest among the groups gnomAD compares: Non-Finnish European, 0.00034%; no homozygotes.

Submission:

Labcorp Genetics (formerly Invitae), Labcorp
Classification: Uncertain significance for Deficiency of malonyl-CoA decarboxylase. Last evaluated: 2023-10-05. Review status: criteria provided, single submitter. Criteria: Invitae Variant Classification Sherloc (09022015). Collection method: clinical testing. Allele origin: germline.
Comment: This sequence change replaces histidine, which is basic and polar, with glutamine, which is neutral and polar, at codon 349 of the MLYCD protein (p.His349Gln). This variant is not present in population databases (gnomAD no frequency). This variant has not been reported in the literature in individuals affected with MLYCD-related conditions. Advanced modeling of protein sequence and biophysical properties (such as structural, functional, and spatial information, amino acid conservation, physicochemical variation, residue mobility, and thermodynamic stability) performed at Invitae indicates that this missense variant is expected to disrupt MLYCD protein function. In summary, the available evidence is currently insufficient to determine the role of this variant in disease. Therefore, it has been classified as a Variant of Uncertain Significance.